The following is an entry in ClinVar:

ClinVar aggregate classification (germline): Likely benign. Review status: criteria provided, multiple submitters, no conflicts (2 of 4 stars). 2 submissions from 2 submitters: Likely benign (2). Last evaluated 2025-04-03.

Conditions:
FREM2-related disorder. Also called: FREM2-related condition.

Allele frequency attached by ClinVar (database versions not stated): gnomAD exomes below 0.00001; TOPMed below 0.00001; gnomAD 0.00001; ExAC 0.00002.
gnomAD v4.1: 7 of 1,612,246 alleles (0.00043%); highest among the groups gnomAD compares: African/African-American, 0.0053%; no homozygotes.

Submissions (2):

PreventionGenetics, part of Exact Sciences
Classification: Likely benign for FREM2-related condition. Last evaluated: 2025-04-03. Review status: criteria provided, single submitter. Criteria: ACMG Guidelines, 2015. Collection method: clinical testing. Allele origin: germline.
Comment: This variant is classified as likely benign based on ACMG/AMP sequence variant interpretation guidelines (Richards et al. 2015 PMID: 25741868, with internal and published modifications).

Labcorp Genetics (formerly Invitae), Labcorp
Classification: Likely benign. Last evaluated: 2024-10-23. Review status: criteria provided, single submitter. Criteria: Invitae Variant Classification Sherloc (09022015). Collection method: clinical testing. Allele origin: germline.

NM_207361.6(FREM2):c.657C>T (p.Gly219=)

Gene: FREM2 (FRAS1 related extracellular matrix 2; plus strand). Cytogenetic location: 13q13.3.
Variant type: single nucleotide variant.
Coding change: c.657C>T on transcript NM_207361.6 (MANE Select); coding-DNA position 657, C replaced by T.
Protein change: p.Gly219=; no amino-acid change (glycine 219 retained).
Molecular consequence: synonymous variant.
Genome position (GRCh38, 1-based): chr13:38,688,001, C>T. VCF-style: chr13-38688001-C-T. GRCh37 (hg19) VCF-style: chr13-39262138-C-T.
Other names: c.657C>T (NM_207361.5).
Identifiers: ClinVar variation 2416874 (VCV002416874.8), dbSNP rs767344725, ClinGen allele CA6954254.